The following is an entry in ClinVar:

NM_000257.4(MYH7):c.4208C>A (p.Ala1403Asp)

Gene: MYH7 (myosin heavy chain 7; minus strand). Cytogenetic location: 14q11.2.
Variant type: single nucleotide variant.
Coding change: c.4208C>A on transcript NM_000257.4 (MANE Select); coding-DNA position 4208, C replaced by A.
Protein change: p.Ala1403Asp; replaces alanine 1403 with aspartic acid.
Molecular consequence: missense variant.
Genome position (GRCh38, 1-based): chr14:23,417,648, G>T on the plus strand (C>A on the coding strand, the complement: MYH7 is on the minus strand). VCF-style: chr14-23417648-G-T. GRCh37 (hg19) VCF-style: chr14-23886857-G-T.
Other names: short protein forms A1403D.
Identifiers: ClinVar variation 42997 (VCV000042997.7), dbSNP rs397516204, ClinGen allele CA014643.

ClinVar aggregate classification (germline): Uncertain significance. Review status: criteria provided, multiple submitters, no conflicts (2 of 4 stars). 3 submissions from 3 submitters: Uncertain significance (3). Last evaluated 2025-10-25.

Conditions:
Cardiovascular phenotype. Identifiers: MedGen CN230736.
Hypertrophic cardiomyopathy. Also called: HYPERTROPHIC MYOCARDIOPATHY. Identifiers: Orphanet 217569, MedGen C0007194, MeSH D002312, MONDO:0005045, HP:0001639.

gnomAD v4.1: 3 of 1,613,046 alleles (0.00019%); highest among the groups gnomAD compares: Non-Finnish European, 0.00025%; no homozygotes.

Submissions (3):

Labcorp Genetics (formerly Invitae), Labcorp
Classification: Uncertain significance for Hypertrophic cardiomyopathy. Last evaluated: 2025-10-25. Review status: criteria provided, single submitter. Criteria: Invitae Variant Classification Sherloc (09022015). Collection method: clinical testing. Allele origin: germline.
Comment: This sequence change replaces alanine, which is neutral and non-polar, with aspartic acid, which is acidic and polar, at codon 1403 of the MYH7 protein (p.Ala1403Asp). This variant is not present in population databases (gnomAD no frequency). This missense change has been observed in individual(s) with hypertrophic cardiomyopathy (PMID: 27247418). ClinVar contains an entry for this variant (Variation ID: 42997). Invitae Evidence Modeling of protein sequence and biophysical properties (such as structural, functional, and spatial information, amino acid conservation, physicochemical variation, residue mobility, and thermodynamic stability) indicates that this missense variant is expected to disrupt MYH7 protein function with a positive predictive value of 95%. In summary, the available evidence is currently insufficient to determine the role of this variant in disease. Therefore, it has been classified as a Variant of Uncertain Significance.

Ambry Genetics
Classification: Uncertain significance for Cardiovascular phenotype. Last evaluated: 2020-02-19. Review status: criteria provided, single submitter. Criteria: Ambry Variant Classification Scheme 2023. Collection method: clinical testing. Allele origin: germline.

Laboratory for Molecular Medicine, Mass General Brigham Personalized Medicine
Classification: Uncertain significance. Last evaluated: 2014-01-19. Review status: criteria provided, single submitter. Criteria: LMM Criteria. Collection method: clinical testing. Allele origin: germline. Observed: 1 variant allele.
Comment: proposed classification - variant undergoing re-assessment, contact laboratory

Literature cited by the submitters: PubMed 27247418 (cited by Labcorp Genetics (formerly Invitae), Labcorp).